The following is an entry in ClinVar:

ClinVar aggregate classification (germline): Uncertain significance (1 of 4 stars; one submission).

gnomAD v4.1: 26 of 1,613,918 alleles (0.0016%); highest among the groups gnomAD compares: African/African-American, 0.027%; no homozygotes.

Submission:

GeneDx
Classification: Uncertain significance. Last evaluated: 2024-05-02. Review status: criteria provided, single submitter. Criteria: GeneDx Variant Classification Process June 2021. Collection method: clinical testing. Allele origin: germline. Affected: yes.
Comment: In silico analysis indicates that this missense variant does not alter protein structure/function; Has not been previously published as pathogenic or benign to our knowledge

NM_000254.3(MTR):c.1058G>C (p.Gly353Ala)

Gene: MTR (5-methyltetrahydrofolate-homocysteine methyltransferase; plus strand). Cytogenetic location: 1q43.
Variant type: single nucleotide variant.
Coding change: c.1058G>C on transcript NM_000254.3 (MANE Select); coding-DNA position 1058, G replaced by C.
Protein change: p.Gly353Ala; replaces glycine 353 with alanine.
Molecular consequence: missense variant. On other transcripts: 5 prime UTR variant (1).
Genome position (GRCh38, 1-based): chr1:236,829,251, G>C. VCF-style: chr1-236829251-G-C. GRCh37 (hg19) VCF-style: chr1-236992551-G-C.
Other names: c.1058G>C, p.Gly353Ala (NM_001291939.1, NM_001410942.1); c.-51G>C (NM_001291940.2); short protein forms G353A.
Identifiers: ClinVar variation 3375998 (VCV003375998.1).